The following is an entry in ClinVar:

NM_000277.3(PAH):c.832A>G (p.Thr278Ala)

Gene: PAH (phenylalanine hydroxylase; minus strand). Cytogenetic location: 12q23.2.
Variant type: single nucleotide variant.
Coding change: c.832A>G on transcript NM_000277.3 (MANE Select); coding-DNA position 832, A replaced by G.
Protein change: p.Thr278Ala; replaces threonine 278 with alanine.
Molecular consequence: missense variant.
Genome position (GRCh38, 1-based): chr12:102,852,825, T>C on the plus strand (A>G on the coding strand, the complement: PAH is on the minus strand). VCF-style: chr12-102852825-T-C. GRCh37 (hg19) VCF-style: chr12-103246603-T-C.
Other names: NM_000277.2(PAH):c.832A>G; c.832A>G, p.Thr278Ala (NM_001354304.2); short protein forms T278A.
Identifiers: ClinVar variation 102861 (VCV000102861.2), dbSNP rs62516156, ClinGen allele CA229801.
Genomic context (GRCh38, chr12:102,852,825, plus strand): 5'-AGATGGCGCTCATTGTGCCTGGCAACTGGTAGCTGGAGGACAGTACTCACGGTTCGGGGG[T>C]ATACATGGGCTTGGATCCATGTCTGATGTACTGTGTGCAGTGGAAGACTCGGAAGGCCAG-3'
Protein context (NP_000268.1, residues 268-288): YIRHGSKPMY[Thr278Ala]PEPDICHELL

ClinVar aggregate classification (germline): Likely pathogenic. Review status: reviewed by expert panel (3 of 4 stars). 2 submissions from 2 submitters: Likely pathogenic (1). 1 of the submissions does not count toward it. Last evaluated 2020-06-11.

Conditions:
Phenylketonuria (PKU). Also called: Phenylketonuria (PKU); FOLLING DISEASE; OLIGOPHRENIA PHENYLPYRUVICA; Phenylketonurias. Identifiers: Orphanet 716, MedGen C0031485, MONDO:0009861, OMIM 261600. Disease mechanism: loss of function.

Submissions (2):

ClinGen PAH Variant Curation Expert Panel
Classification: Likely pathogenic for Phenylketonuria. Last evaluated: 2020-06-11. Review status: reviewed by expert panel. Criteria: ClinGen PAH ACMG Specifications v1. Collection method: curation. Allele origin: germline. Inheritance: Autosomal recessive inheritance.
Comment: The c.832A>G (p.Thr278Ala) variant in PAH has been reported in multiple individuals with PKU and MHP (BH4 deficiency excluded). (PMID: 26503515, 30050108). This variant is absent in population databases. Computational evidence supports a deleterious effect. Another variant at this same amino acid is interpreted as pathogenic (p.Thr278Ile). In summary, this variant meets criteria to be classified as likely pathogenic for PAH. PAH-specific ACMG/AMP criteria applied: PP4_Moderate, PM2, PM5, PM3_supporting PP3.

DeBelle Laboratory for Biochemical Genetics, MUHC/MCH RESEARCH INSTITUTE
No classification provided. Review status: no classification provided. Collection method: not provided. Allele origin: not provided. Not counted in ClinVar's aggregate classification.

Literature cited by the submitters: PubMed 26503515 (cited by ClinGen PAH Variant Curation Expert Panel).